The following is an entry in ClinVar:

NM_016011.5(MECR):c.1056C>G (p.Asp352Glu)

Gene: MECR (mitochondrial trans-2-enoyl-CoA reductase; minus strand). Cytogenetic location: 1p35.3.
Variant type: single nucleotide variant.
Coding change: c.1056C>G on transcript NM_016011.5 (MANE Select); coding-DNA position 1056, C replaced by G.
Protein change: p.Asp352Glu; replaces aspartic acid 352 with glutamic acid.
Molecular consequence: missense variant. On other transcripts: non-coding transcript variant (4).
Genome position (GRCh38, 1-based): chr1:29,194,088, G>C on the plus strand (C>G on the coding strand, the complement: MECR is on the minus strand). VCF-style: chr1-29194088-G-C. GRCh37 (hg19) VCF-style: chr1-29520600-G-C.
Other names: c.1056C>G (NM_016011.2); c.828C>G, p.Asp276Glu (NM_001024732.4, NM_001349711.2, NM_001349712.2 and 2 more transcripts); c.1161C>G, p.Asp387Glu (NM_001349715.2); c.1140C>G, p.Asp380Glu (NM_001349716.2); c.906C>G, p.Asp302Glu (NM_001349717.2); short protein forms D302E, D380E, D387E, D276E, D352E.
Identifiers: ClinVar variation 2175054 (VCV002175054.4), dbSNP rs373400899, ClinGen allele CA725531.

ClinVar aggregate classification (germline): Uncertain significance. Review status: criteria provided, multiple submitters, no conflicts (2 of 4 stars). 2 submissions from 2 submitters: Uncertain significance (2). Last evaluated 2025-08-11.

Conditions:
Inborn genetic diseases. Identifiers: MedGen C0950123, MeSH D030342.

Allele frequency attached by ClinVar (database versions not stated): TOPMed 0.00001; gnomAD 0.00005; ESP Exome Variant Server 0.00008; gnomAD exomes 0.00008; ExAC 0.00018; 1000 Genomes Project 30x 0.00031; 1000 Genomes Project 0.00040.
gnomAD v4.1: 122 of 1,614,128 alleles (0.0076%); highest among the groups gnomAD compares: South Asian, 0.11%; no homozygotes.

Submissions (2):

Ambry Genetics
Classification: Uncertain significance for Inborn genetic diseases. Last evaluated: 2025-08-11. Review status: criteria provided, single submitter. Criteria: Ambry Variant Classification Scheme 2023. Collection method: clinical testing. Allele origin: germline.

Labcorp Genetics (formerly Invitae), Labcorp
Classification: Uncertain significance. Last evaluated: 2024-04-09. Review status: criteria provided, single submitter. Criteria: Invitae Variant Classification Sherloc (09022015). Collection method: clinical testing. Allele origin: germline.
Comment: This sequence change replaces aspartic acid, which is acidic and polar, with glutamic acid, which is acidic and polar, at codon 352 of the MECR protein (p.Asp352Glu). This variant is present in population databases (rs373400899, gnomAD 0.1%). This variant has not been reported in the literature in individuals affected with MECR-related conditions. ClinVar contains an entry for this variant (Variation ID: 2175054). Advanced modeling of protein sequence and biophysical properties (such as structural, functional, and spatial information, amino acid conservation, physicochemical variation, residue mobility, and thermodynamic stability) performed at Invitae indicates that this missense variant is not expected to disrupt MECR protein function with a negative predictive value of 80%. In summary, the available evidence is currently insufficient to determine the role of this variant in disease. Therefore, it has been classified as a Variant of Uncertain Significance.